The following is an entry in ClinVar:

ClinVar aggregate classification (germline): Conflicting classifications of pathogenicity. Review status: criteria provided, conflicting classifications (1 of 4 stars). 4 submissions from 4 submitters: Uncertain significance (1); Likely benign (3). Last evaluated 2025-08-21.

Conditions:
Cardiovascular phenotype. Identifiers: MedGen CN230736.
Cardiomyopathy (CMYO). Also called: Cardiomyopathies. Identifiers: Orphanet 167848, MedGen C0878544, MONDO:0004994, HP:0001638. Inheritance: Various modes of inheritance.
Hypertrophic cardiomyopathy. Also called: HYPERTROPHIC MYOCARDIOPATHY. Identifiers: Orphanet 217569, MedGen C0007194, MeSH D002312, MONDO:0005045, HP:0001639.

Submissions (4):

Labcorp Genetics (formerly Invitae), Labcorp
Classification: Likely benign for Hypertrophic cardiomyopathy. Last evaluated: 2025-08-21. Review status: criteria provided, single submitter. Criteria: Invitae Variant Classification Sherloc (09022015). Collection method: clinical testing. Allele origin: germline.

Women's Health and Genetics/Laboratory Corporation of America, LabCorp
Classification: Likely benign. Last evaluated: 2024-10-06. Review status: criteria provided, single submitter. Criteria: LabCorp Variant Classification Summary - May 2015. Collection method: clinical testing. Allele origin: germline.

Color Diagnostics, LLC DBA Color Health
Classification: Likely benign for Cardiomyopathy. Last evaluated: 2023-12-05. Review status: criteria provided, single submitter. Criteria: ACMG Guidelines, 2015. Collection method: clinical testing. Allele origin: germline.

Ambry Genetics
Classification: Uncertain significance for Cardiovascular phenotype. Last evaluated: 2019-06-12. Review status: criteria provided, single submitter. Criteria: Ambry Variant Classification Scheme 2023. Collection method: clinical testing. Allele origin: germline.
Comment: The c.3612C>T (p.G1204G) alteration is located in exon 27 (coding exon 25) of the MYH7 gene. This alteration consists of a C to T substitution at nucleotide position 3612. This nucleotide substitution does not change the amino acid at codon 1204. However, this change occurs in the last nucleotide of Exon 27 (c.3337_3726) which makes it likely to have some effect on normal mRNA splicing. Based on insufficient or conflicting evidence, the clinical significance of this alteration remains unclear.

NM_000257.4(MYH7):c.3612C>T (p.Gly1204=)

Gene: MYH7 (myosin heavy chain 7; minus strand). Cytogenetic location: 14q11.2.
Variant type: single nucleotide variant.
Coding change: c.3612C>T on transcript NM_000257.4 (MANE Select); coding-DNA position 3612, C replaced by T.
Protein change: p.Gly1204=; no amino-acid change (glycine 1204 retained).
Molecular consequence: synonymous variant.
Genome position (GRCh38, 1-based): chr14:23,419,959, G>A on the plus strand (C>T on the coding strand, the complement: MYH7 is on the minus strand). VCF-style: chr14-23419959-G-A. GRCh37 (hg19) VCF-style: chr14-23889168-G-A.
Identifiers: ClinVar variation 188625 (VCV000188625.13), dbSNP rs786204378, ClinGen allele CA013856.